The following is an entry in ClinVar:

ClinVar aggregate classification (germline): Likely benign (0 of 4 stars; one submission).

Conditions:
DMBT1-related disorder. Also called: DMBT1-related condition.

Allele frequency attached by ClinVar (database versions not stated): gnomAD 0.00003; 1000 Genomes Project 0.00020.
gnomAD v4.1: 11 of 589,518 alleles (0.0019%); highest among the groups gnomAD compares: Non-Finnish European, 0.003%; no homozygotes.

Submission:

PreventionGenetics, part of Exact Sciences
Classification: Likely benign for DMBT1-related condition. Last evaluated: 2021-03-29. Review status: no assertion criteria provided. Collection method: clinical testing. Allele origin: germline.
Comment: This variant is classified as likely benign based on ACMG/AMP sequence variant interpretation guidelines (Richards et al. 2015 PMID: 25741868, with internal and published modifications).

NM_001377530.1(DMBT1):c.2904G>A (p.Ser968=)

Gene: DMBT1 (deleted in malignant brain tumors 1; plus strand). Cytogenetic location: 10q26.13.
Variant type: single nucleotide variant.
Coding change: c.2904G>A on transcript NM_001377530.1 (MANE Select); coding-DNA position 2904, G replaced by A.
Protein change: p.Ser968=; no amino-acid change (serine 968 retained).
Molecular consequence: synonymous variant. On other transcripts: intron variant (1).
Genome position (GRCh38, 1-based): chr10:122,597,041, G>A. VCF-style: chr10-122597041-G-A. GRCh37 (hg19) VCF-style: chr10-124356557-G-A.
Other names: c.2904G>A, p.Ser968= (NM_001320644.2, NM_007329.3); c.2874G>A, p.Ser958= (NM_017579.3); c.1421-933G>A (NM_004406.3).
Identifiers: ClinVar variation 3032924 (VCV003032924.2), dbSNP rs549068481, ClinGen allele CA215135811.